The following is an entry in ClinVar:

NM_000901.5(NR3C2):c.2178G>A (p.Gln726=)

Gene: NR3C2 (nuclear receptor subfamily 3 group C member 2; minus strand). Cytogenetic location: 4q31.23.
Variant type: single nucleotide variant.
Coding change: c.2178G>A on transcript NM_000901.5 (MANE Select); coding-DNA position 2178, G replaced by A.
Protein change: p.Gln726=; no amino-acid change (glutamine 726 retained).
Molecular consequence: synonymous variant. On other transcripts: intron variant (2).
Genome position (GRCh38, 1-based): chr4:148,154,738, C>T on the plus strand (G>A on the coding strand, the complement: NR3C2 is on the minus strand). VCF-style: chr4-148154738-C-T. GRCh37 (hg19) VCF-style: chr4-149075889-C-T.
Other names: c.2015-2125G>A (NM_001354819.1, NM_001166104.2).
Identifiers: ClinVar variation 256829 (VCV000256829.38), dbSNP rs144234574, ClinGen allele CA3100147.

ClinVar aggregate classification (germline): Benign. Review status: criteria provided, multiple submitters, no conflicts (2 of 4 stars). 4 submissions from 4 submitters: Benign (4). Last evaluated 2026-09-01.

Conditions:
Autosomal dominant pseudohypoaldosteronism type 1. Also called: Pseudohypoaldosteronism, Type I, Autosomal Dominant; PHA I, AUTOSOMAL DOMINANT; Pseudohypoaldosteronism, Type I, Dominant. Identifiers: Orphanet 171871, Orphanet 756, MedGen C1449842, MONDO:0008329, OMIM 177735.

Allele frequency attached by ClinVar (database versions not stated): 1000 Genomes Project 30x 0.00141; 1000 Genomes Project 0.00160; ExAC 0.00334; gnomAD exomes 0.00364 and 0.00607; TOPMed 0.00396; gnomAD 0.00470 and 0.00484; ESP Exome Variant Server 0.00561.
gnomAD v4.1: 9,397 of 1,594,106 alleles (0.59%); highest among the groups gnomAD compares: Non-Finnish European, 0.73%; 45 homozygotes.

Submissions (4):

CeGaT Center for Human Genetics Tuebingen
Classification: Benign. Last evaluated: 2026-09-01. Review status: criteria provided, single submitter. Criteria: CeGaT Center For Human Genetics Tuebingen Variant Classification Criteria Version 2. Collection method: clinical testing. Allele origin: germline. Affected: yes. Observed: 3 variant alleles.
Comment: NR3C2: BP4, BS1, BS2

Labcorp Genetics (formerly Invitae), Labcorp
Classification: Benign. Last evaluated: 2026-01-07. Review status: criteria provided, single submitter. Criteria: Invitae Variant Classification Sherloc (09022015). Collection method: clinical testing. Allele origin: germline.

Illumina Laboratory Services, Illumina
Classification: Benign for Autosomal dominant pseudohypoaldosteronism type 1. Last evaluated: 2018-01-13. Review status: criteria provided, single submitter. Criteria: ICSL Variant Classification Criteria 13 December 2019. Collection method: clinical testing. Allele origin: germline.
Comment: This variant was observed in the ICSL laboratory as part of a predisposition screen in an ostensibly healthy population. It had not been previously curated by ICSL or reported in the Human Gene Mutation Database (HGMD: prior to June 1st, 2018), and was therefore a candidate for classification through an automated scoring system. Utilizing variant allele frequency, disease prevalence and penetrance estimates, and inheritance mode, an automated score was calculated to assess if this variant is too frequent to cause the disease. Based on the score and internal cut-off values, a variant classified as benign is not then subjected to further curation. The score for this variant resulted in a classification of benign for this disease.

PreventionGenetics, part of Exact Sciences
Classification: Benign. Review status: criteria provided, single submitter. Criteria: ACMG Guidelines, 2015. Collection method: clinical testing. Allele origin: germline.